The following is an entry in ClinVar:

ClinVar aggregate classification (germline): Likely benign (1 of 4 stars; one submission).

Allele frequency attached by ClinVar (database versions not stated): gnomAD 0.00001.
gnomAD v4.1: 3 of 1,613,938 alleles (0.00019%); highest among the groups gnomAD compares: Middle Eastern, 0.016%; no homozygotes.

Submission:

CeGaT Center for Human Genetics Tuebingen
Classification: Likely benign. Last evaluated: 2022-09-01. Review status: criteria provided, single submitter. Criteria: CeGaT Center For Human Genetics Tuebingen Variant Classification Criteria Version 2. Collection method: clinical testing. Allele origin: germline. Affected: yes. Observed: 1 variant allele.
Comment: CUX1: BP4, BS2

NM_181552.4(CUX1):c.2767A>C (p.Thr923Pro)

Gene: CUX1 (cut like homeobox 1; plus strand). Cytogenetic location: 7q22.1.
Variant type: single nucleotide variant.
Coding change: c.2767A>C on transcript NM_181552.4 (MANE Select); coding-DNA position 2767, A replaced by C.
Protein change: p.Thr923Pro; replaces threonine 923 with proline.
Molecular consequence: missense variant. On other transcripts: intron variant (5).
Genome position (GRCh38, 1-based): chr7:102,202,064, A>C. VCF-style: chr7-102202064-A-C. GRCh37 (hg19) VCF-style: chr7-101845344-A-C.
Other names: c.2800A>C, p.Thr934Pro (NM_001202543.2); c.1255+6461A>C (NM_001913.5); c.1249+6461A>C (NM_181500.4); c.1117+6461A>C (NM_001202545.3); c.1207+6461A>C (NM_001202544.3); c.1138+6461A>C (NM_001202546.3); short protein forms T923P, T934P.
Identifiers: ClinVar variation 2657869 (VCV002657869.24), dbSNP rs917985604, ClinGen allele CA163404793.